The following is an entry in ClinVar:

NM_001386140.1(MTTP):c.1750C>T (p.Arg584Cys)

Gene: MTTP (microsomal triglyceride transfer protein; plus strand). Cytogenetic location: 4q23.
Variant type: single nucleotide variant.
Coding change: c.1750C>T on transcript NM_001386140.1 (MANE Select); coding-DNA position 1750, C replaced by T.
Protein change: p.Arg584Cys; replaces arginine 584 with cysteine.
Molecular consequence: missense variant.
Genome position (GRCh38, 1-based): chr4:99,608,958, C>T. VCF-style: chr4-99608958-C-T. GRCh37 (hg19) VCF-style: chr4-100530115-C-T.
Other names: c.1750C>T, p.Arg584Cys (NM_000253.4); c.1501C>T, p.Arg501Cys (NM_001300785.2); short protein forms R501C, R584C.
Identifiers: ClinVar variation 1423449 (VCV001423449.5), dbSNP rs763103391, ClinGen allele CA3022168.
Genomic context (GRCh38, chr4:99,608,958, plus strand): 5'-ATTGGGGAGCTTCCCCAAGAAATGAATAAATACATGCTCGCCATTGTTCAAGACATCCTA[C>T]GTTTTGAAATGCCTGCAAGGTATAATACATTGCACATGTCTCTCTGTGTATTCAAGCTTA-3'
Protein context (NP_001373069.1, residues 574-594): YMLAIVQDIL[Arg584Cys]FEMPASKIVR

ClinVar aggregate classification (germline): Uncertain significance (1 of 4 stars; one submission).

Allele frequency attached by ClinVar (database versions not stated): gnomAD exomes 0.00001; ExAC 0.00001.

Submission:

Labcorp Genetics (formerly Invitae), Labcorp
Classification: Uncertain significance. Last evaluated: 2021-09-02. Review status: criteria provided, single submitter. Criteria: Invitae Variant Classification Sherloc (09022015). Collection method: clinical testing. Allele origin: germline.
Comment: This sequence change replaces arginine with cysteine at codon 584 of the MTTP protein (p.Arg584Cys). The arginine residue is weakly conserved and there is a large physicochemical difference between arginine and cysteine. This variant is present in population databases (rs763103391, ExAC 0.002%). This variant has not been reported in the literature in individuals affected with MTTP-related conditions. Algorithms developed to predict the effect of missense changes on protein structure and function are either unavailable or do not agree on the potential impact of this missense change (SIFT: "Tolerated"; PolyPhen-2: "Possibly Damaging"; Align-GVGD: "Class C15"). In summary, the available evidence is currently insufficient to determine the role of this variant in disease. Therefore, it has been classified as a Variant of Uncertain Significance.